The following is an entry in ClinVar:

ClinVar aggregate classification (germline): Pathogenic (1 of 4 stars; one submission).

Conditions:
Familial cancer of breast. Also called: BREAST CANCER, FAMILIAL; Hereditary breast cancer; hereditary breast carcinoma. Identifiers: Orphanet 227535, MedGen C0346153, MONDO:0016419, OMIM 114480. Disease mechanism: loss of function.

Submission:

Myriad Genetics, Inc.
Classification: Pathogenic for Familial cancer of breast. Last evaluated: 2024-01-16. Review status: criteria provided, single submitter. Criteria: Myriad Autosomal Dominant, Autosomal Recessive and X-Linked Classification Criteria (2023). Collection method: clinical testing. Allele origin: unknown.
Comment: This variant is considered pathogenic. This variant creates a frameshift predicted to result in premature protein truncation.

NM_000051.4(ATM):c.1439del (p.Leu480fs)

Gene: ATM (ATM serine/threonine kinase; plus strand). Cytogenetic location: 11q22.3.
Variant type: Deletion.
Coding change: c.1439del on transcript NM_000051.4 (MANE Select); coding-DNA position 1439, one base deleted (T; older notation c.1439delT).
Protein change: p.Leu480fs; shifts the reading frame from leucine 480.
Molecular consequence: frameshift variant.
Genome position (GRCh38, 1-based): chr11:108,250,904, T deleted; the last of 3 consecutive T bases (chr11:108,250,902-108,250,904); deleting any one gives the same sequence. VCF-style (leftmost placement, unchanged base first): chr11-108250901-AT-A. GRCh37 (hg19) VCF-style: chr11-108121628-AT-A.
Other names: c.1439del, p.Leu480fs (NM_001351834.2); short protein forms L480fs.
Identifiers: ClinVar variation 3148525 (VCV003148525.1), dbSNP rs2497246546, ClinGen allele CA2825001779.